The following is an entry in ClinVar:

NM_003000.3(SDHB):c.497G>A (p.Gly166Asp)

Gene: SDHB (succinate dehydrogenase complex iron sulfur subunit B; minus strand). Cytogenetic location: 1p36.13.
Variant type: single nucleotide variant.
Coding change: c.497G>A on transcript NM_003000.3 (MANE Select); coding-DNA position 497, G replaced by A.
Protein change: p.Gly166Asp; replaces glycine 166 with aspartic acid.
Molecular consequence: missense variant.
Genome position (GRCh38, 1-based): chr1:17,027,792, C>T on the plus strand (G>A on the coding strand, the complement: SDHB is on the minus strand). VCF-style: chr1-17027792-C-T. GRCh37 (hg19) VCF-style: chr1-17354287-C-T.
Other names: short protein forms G166D.
Identifiers: ClinVar variation 412471 (VCV000412471.10), dbSNP rs1060503760, ClinGen allele CA16609936.

ClinVar aggregate classification (germline): Uncertain significance. Review status: criteria provided, multiple submitters, no conflicts (2 of 4 stars). 3 submissions from 3 submitters: Uncertain significance (3). Last evaluated 2024-12-30.

Conditions:
Hereditary pheochromocytoma and paraganglioma. Also called: Hereditary Paraganglioma-Pheochromocytoma Syndromes; Hereditary pheochromocytoma-paraganglioma; Hereditary paragangliomas and pheochromocytomas. Identifiers: Orphanet 29072, MedGen C4274332, MONDO:0017366.
Pheochromocytoma/paraganglioma syndrome 4. Also called: PARAGANGLIOMA, FAMILIAL MALIGNANT; PARAGANGLIOMAS, HEREDITARY EXTRAADRENAL; PHEOCHROMOCYTOMA, FAMILIAL EXTRAADRENAL; Paragangliomas 4; CAROTID BODY TUMORS AND MULTIPLE EXTRAADRENAL PHEOCHROMOCYTOMAS; SDHB-Related Hereditary Paraganglioma-Pheochromocytoma Syndrome (Paragangliomas 4). Identifiers: Orphanet 29072, MedGen C1861848, MONDO:0007273, OMIM 115310.
Gastrointestinal stromal tumor. Also called: Gastrointestinal stroma tumor; Gastrointestinal stromal tumor, somatic. Identifiers: Orphanet 44890, MedGen C0238198, MeSH D046152, MONDO:0011719, OMIM 606764, HP:0100723.
Pheochromocytoma. Also called: MAX-Related Hereditary Paraganglioma-Pheochromocytoma Syndrome. Identifiers: Orphanet 29072, MedGen C0031511, MONDO:0008233, OMIM 171300, HP:0002666.
Hereditary cancer-predisposing syndrome. Also called: Neoplastic Syndromes, Hereditary; Hereditary Cancer Syndrome; Hereditary neoplastic syndrome; Tumor predisposition. Identifiers: Orphanet 140162, MedGen C0027672, MeSH D009386, MONDO:0015356.

Submissions (3):

Ambry Genetics
Classification: Uncertain significance for Hereditary cancer-predisposing syndrome. Last evaluated: 2024-12-30. Review status: criteria provided, single submitter. Criteria: Ambry Variant Classification Scheme 2023. Collection method: clinical testing. Allele origin: germline.
Comment: The p.G166D variant (also known as c.497G>A), located in coding exon 5 of the SDHB gene, results from a G to A substitution at nucleotide position 497. The glycine at codon 166 is replaced by aspartic acid, an amino acid with similar properties. This amino acid position is conserved. In addition, this alteration is predicted to be deleterious by in silico analysis. Since supporting evidence is limited at this time, the clinical significance of this alteration remains unclear.

Labcorp Genetics (formerly Invitae), Labcorp
Classification: Uncertain significance for Gastrointestinal stromal tumor; Pheochromocytoma/paraganglioma syndrome 4; Pheochromocytoma. Last evaluated: 2024-08-15. Review status: criteria provided, single submitter. Criteria: Invitae Variant Classification Sherloc (09022015). Collection method: clinical testing. Allele origin: germline.
Comment: This sequence change replaces glycine, which is neutral and non-polar, with aspartic acid, which is acidic and polar, at codon 166 of the SDHB protein (p.Gly166Asp). This variant is not present in population databases (gnomAD no frequency). This variant has not been reported in the literature in individuals affected with SDHB-related conditions. ClinVar contains an entry for this variant (Variation ID: 412471). Invitae Evidence Modeling of protein sequence and biophysical properties (such as structural, functional, and spatial information, amino acid conservation, physicochemical variation, residue mobility, and thermodynamic stability) has been performed for this missense variant. However, the output from this modeling did not meet the statistical confidence thresholds required to predict the impact of this variant on SDHB protein function. In summary, the available evidence is currently insufficient to determine the role of this variant in disease. Therefore, it has been classified as a Variant of Uncertain Significance.

All of Us Research Program, National Institutes of Health
Classification: Uncertain significance for Hereditary pheochromocytoma and paraganglioma. Last evaluated: 2023-06-26. Review status: criteria provided, single submitter. Criteria: ACMG Guidelines, 2015. Collection method: clinical testing. Allele origin: germline. Inheritance: Autosomal dominant inheritance. Observed: 1 variant allele, 1 heterozygote.
Comment: This missense variant replaces glycine with aspartic acid at codon 166 of the SDHB protein. Computational prediction suggests that this variant may have deleterious impact on protein structure and function (internally defined REVEL score threshold >= 0.7, PMID: 27666373). To our knowledge, functional studies have not been reported for this variant. This variant has not been reported in individuals affected with SDHB-related disorders in the literature. This variant has not been identified in the general population by the Genome Aggregation Database (gnomAD). The available evidence is insufficient to determine the role of this variant in disease conclusively. Therefore, this variant is classified as a Variant of Uncertain Significance.

This study involves interpretation of variants in research participants for the purpose of population health screening. Participant phenotype was not available at the time of variant classification. Additional details can be found in publication PMID: 35346344, PMCID: PMC8962531